The following is an entry in ClinVar:

ClinVar aggregate classification (germline): Uncertain significance (1 of 4 stars; one submission).

Conditions:
Perlman syndrome (PRLMNS). Identifiers: Orphanet 2849, MedGen C0796113, MONDO:0009965, OMIM 267000.

Allele frequency attached by ClinVar (database versions not stated): gnomAD exomes below 0.00001.
gnomAD v4.1: 1 of 1,602,248 alleles (0.000062%); highest among the groups gnomAD compares: Non-Finnish European, 0.000085%; no homozygotes.

Submission:

Labcorp Genetics (formerly Invitae), Labcorp
Classification: Uncertain significance for Perlman syndrome. Last evaluated: 2022-05-09. Review status: criteria provided, single submitter. Criteria: Invitae Variant Classification Sherloc (09022015). Collection method: clinical testing. Allele origin: germline.
Comment: This variant is not present in population databases (gnomAD no frequency). In summary, the available evidence is currently insufficient to determine the role of this variant in disease. Therefore, it has been classified as a Variant of Uncertain Significance. Algorithms developed to predict the effect of missense changes on protein structure and function are either unavailable or do not agree on the potential impact of this missense change (SIFT: "Deleterious"; PolyPhen-2: "Probably Damaging"; Align-GVGD: "Class C0"). ClinVar contains an entry for this variant (Variation ID: 650937). This variant has not been reported in the literature in individuals affected with DIS3L2-related conditions. This sequence change replaces leucine, which is neutral and non-polar, with tryptophan, which is neutral and slightly polar, at codon 73 of the DIS3L2 protein (p.Leu73Trp).

NM_152383.5(DIS3L2):c.218T>G (p.Leu73Trp)

Gene: DIS3L2 (DIS3 like 3'-5' exoribonuclease 2; plus strand). Cytogenetic location: 2q37.1.
Variant type: single nucleotide variant.
Coding change: c.218T>G on transcript NM_152383.5 (MANE Select); coding-DNA position 218, T replaced by G.
Protein change: p.Leu73Trp; replaces leucine 73 with tryptophan.
Molecular consequence: missense variant. On other transcripts: non-coding transcript variant (2).
Genome position (GRCh38, 1-based): chr2:232,024,284, T>G. VCF-style: chr2-232024284-T-G. GRCh37 (hg19) VCF-style: chr2-232888994-T-G.
Other names: c.218T>G, p.Leu73Trp (NM_001257281.2, NM_001257282.2); short protein forms L73W.
Identifiers: ClinVar variation 650937 (VCV000650937.8), dbSNP rs867217314, ClinGen allele CA351152723.